The following is an entry in ClinVar:

NM_004415.4(DSP):c.2549A>G (p.Asp850Gly)

Gene: DSP (desmoplakin; plus strand). Cytogenetic location: 6p24.3.
Variant type: single nucleotide variant.
Coding change: c.2549A>G on transcript NM_004415.4 (MANE Select); coding-DNA position 2549, A replaced by G.
Protein change: p.Asp850Gly; replaces aspartic acid 850 with glycine.
Molecular consequence: missense variant.
Genome position (GRCh38, 1-based): chr6:7,575,407, A>G. VCF-style: chr6-7575407-A-G. GRCh37 (hg19) VCF-style: chr6-7575640-A-G.
Other names: c.2549A>G, p.Asp850Gly (NM_001008844.3, NM_001319034.2); short protein forms D850G.
Identifiers: ClinVar variation 922224 (VCV000922224.5), dbSNP rs1759208321, ClinGen allele CA362681586.

ClinVar aggregate classification (germline): Uncertain significance (1 of 4 stars; one submission).

Conditions:
Cardiomyopathy (CMYO). Also called: Cardiomyopathies. Identifiers: Orphanet 167848, MedGen C0878544, MONDO:0004994, HP:0001638. Inheritance: Various modes of inheritance.

Submission:

Color Diagnostics, LLC DBA Color Health
Classification: Uncertain significance for Cardiomyopathy. Last evaluated: 2023-12-05. Review status: criteria provided, single submitter. Criteria: ACMG Guidelines, 2015. Collection method: clinical testing. Allele origin: germline.
Comment: This missense variant replaces aspartic acid with glycine at codon 850 of the DSP protein. Computational prediction tools and conservation analyses are inconclusive regarding the impact of this variant on the protein function. Computational splicing tools suggest that this variant may not impact RNA splicing. To our knowledge, functional assays have not been performed for this variant nor has this variant been reported in individuals affected with cardiovascular disorders in the literature. This variant has not been identified in the general population by the Genome Aggregation Database (gnomAD). Available evidence is insufficient to determine the role of this variant in disease conclusively. Therefore, this variant is classified as a Variant of Uncertain Significance.